The following is an entry in ClinVar:

ClinVar aggregate classification (germline): Uncertain significance (1 of 4 stars; one submission).

gnomAD v4.1: 4 of 1,313,104 alleles (0.0003%); highest among the groups gnomAD compares: African/African-American, 0.0062%; no homozygotes.

Submission:

Women's Health and Genetics/Laboratory Corporation of America, LabCorp
Classification: Uncertain significance. Last evaluated: 2026-01-07. Review status: criteria provided, single submitter. Criteria: LabCorp Variant Classification Summary - May 2015. Collection method: clinical testing. Allele origin: germline.
Comment: Variant summary: DNM1 c.2422G>A (p.Ala808Thr) results in a non-conservative amino acid change in the encoded protein sequence. Algorithms developed to predict the effect of missense changes on protein structure and function are either unavailable or do not agree on the potential impact of this missense change. The variant was absent in 2646 control chromosomes. The available data on variant occurrences in the general population are insufficient to allow any conclusion about variant significance. To our knowledge, no occurrence of c.2422G>A in individuals affected with DNM1-related conditions and no experimental evidence demonstrating its impact on protein function have been reported. No submitters have cited clinical-significance assessments for this variant to ClinVar. Based on the evidence outlined above, the variant was classified as uncertain significance.

NM_004408.4(DNM1):c.2422G>A (p.Ala808Thr)

Genes: DNM1 (dynamin 1; plus strand), LOC130002699 (ATAC-STARR-seq lymphoblastoid silent region 20333; plus strand). Cytogenetic location: 9q34.11.
Variant type: single nucleotide variant.
Coding change: c.2422G>A on transcript NM_004408.4 (MANE Select); coding-DNA position 2422, G replaced by A.
Protein change: p.Ala808Thr; replaces alanine 808 with threonine.
Molecular consequence: missense variant.
Genome position (GRCh38, 1-based): chr9:128,250,828, G>A. VCF-style: chr9-128250828-G-A. GRCh37 (hg19) VCF-style: chr9-131013107-G-A.
Other names: c.2422G>A, p.Ala808Thr (NM_001005336.3, NM_001288737.2, NM_001288738.2 and 2 more transcripts); short protein forms A808T.
Identifiers: ClinVar variation 4689554 (VCV004689554.1).
Genomic context (GRCh38, chr9:128,250,828, plus strand): 5'-GTGCCCCCAGCCCGGCCCGGGTCGCGGGGCCCTGCTCCTGGGCCTCCGCCTGCTGGGTCC[G>A]CCCTGGGGGGGGCGCCCCCCGTGCCCTCCAGGCCGGGGGCTTCCCCTGACCCTTTCGGCC-3'
Protein context (NP_004399.2, residues 798-818): PAPGPPPAGS[Ala808Thr]LGGAPPVPSR